The following is an entry in ClinVar:

NM_000245.4(MET):c.746A>G (p.Tyr249Cys)

Gene: MET (MET proto-oncogene, receptor tyrosine kinase; plus strand). Cytogenetic location: 7q31.2.
Variant type: single nucleotide variant.
Coding change: c.746A>G on transcript NM_000245.4 (MANE Select); coding-DNA position 746, A replaced by G.
Protein change: p.Tyr249Cys; replaces tyrosine 249 with cysteine.
Molecular consequence: missense variant. On other transcripts: intron variant (1).
Genome position (GRCh38, 1-based): chr7:116,699,830, A>G. VCF-style: chr7-116699830-A-G. GRCh37 (hg19) VCF-style: chr7-116339884-A-G.
Other names: c.-91+27253A>G (NM_001324402.2); c.746A>G, p.Tyr249Cys (NM_001127500.3, NM_001324401.3); short protein forms Y249C.
Identifiers: ClinVar variation 1759045 (VCV001759045.3), dbSNP rs2116596788, ClinGen allele CA368969757.

ClinVar aggregate classification (germline): Uncertain significance (1 of 4 stars; one submission).

Conditions:
Hereditary cancer-predisposing syndrome. Also called: Neoplastic Syndromes, Hereditary; Tumor predisposition; Hereditary Cancer Syndrome; Hereditary neoplastic syndrome. Identifiers: Orphanet 140162, MedGen C0027672, MeSH D009386, MONDO:0015356.

Submission:

Ambry Genetics
Classification: Uncertain significance for Hereditary cancer-predisposing syndrome. Last evaluated: 2025-09-23. Review status: criteria provided, single submitter. Criteria: Ambry Variant Classification Scheme 2023. Collection method: clinical testing. Allele origin: germline.
Comment: The p.Y249C variant (also known as c.746A>G), located in coding exon 1 of the MET gene, results from an A to G substitution at nucleotide position 746. The tyrosine at codon 249 is replaced by cysteine, an amino acid with highly dissimilar properties. This amino acid position is highly conserved in available vertebrate species. In addition, this alteration is predicted to be deleterious by in silico analysis. Based on the available evidence, the clinical significance of this variant remains unclear.